The following is an entry in ClinVar:

NM_000112.4(SLC26A2):c.381T>G (p.Ile127Met)

Gene: SLC26A2 (solute carrier family 26 member 2; plus strand). Cytogenetic location: 5q32.
Variant type: single nucleotide variant.
Coding change: c.381T>G on transcript NM_000112.4 (MANE Select); coding-DNA position 381, T replaced by G.
Protein change: p.Ile127Met; replaces isoleucine 127 with methionine.
Molecular consequence: missense variant.
Genome position (GRCh38, 1-based): chr5:149,978,033, T>G. VCF-style: chr5-149978033-T-G. GRCh37 (hg19) VCF-style: chr5-149357596-T-G.
Other names: short protein forms I127M.
Identifiers: ClinVar variation 2055912 (VCV002055912.4), dbSNP rs2480770917, ClinGen allele CA361704875.
Genomic context (GRCh38, chr5:149,978,033, plus strand): 5'-CATTTTAGGGGATGTGATGTCAGGCTTGATTGTGGGCATATTATTGGTGCCCCAGTCCAT[T>G]GCTTATTCCCTGCTGGCTGGCCAAGAACCTGTCTATGGTCTGTACACATCTTTTTTTGCC-3'
Protein context (NP_000103.2, residues 117-137): IVGILLVPQS[Ile127Met]AYSLLAGQEP

ClinVar aggregate classification (germline): Uncertain significance (1 of 4 stars; one submission).

Conditions:
Achondrogenesis, type IB (ACG1B). Also called: Achondrogenesis Type 1B. Identifiers: Orphanet 932, Orphanet 93298, MedGen C0265274, MONDO:0010966, OMIM 600972.
Multiple epiphyseal dysplasia type 4 (EDM4). Also called: Multiple Epiphyseal Dysplasia, Recessive; MULTIPLE EPIPHYSEAL DYSPLASIA WITH BILAYERED PATELLAE; MULTIPLE EPIPHYSEAL DYSPLASIA WITH CLUBFOOT; MULTIPLE EPIPHYSEAL DYSPLASIA, AUTOSOMAL RECESSIVE; SLC26A2-Related Multiple Epiphyseal Dysplasia. Identifiers: Orphanet 93307, MedGen C1847593, MONDO:0009189, OMIM 226900.
Atelosteogenesis type II (AO2). Also called: NEONATAL OSSEOUS DYSPLASIA I; Neonatal osseous dysplasia 1; SLC26A2-Related Atelosteogenesis. Identifiers: Orphanet 56304, MedGen C1850554, MONDO:0009727, OMIM 256050.
Diastrophic dysplasia (DTD). Also called: Diastrophic dwarfism. Identifiers: Orphanet 628, MedGen C0220726, MONDO:0009107, OMIM 222600.

Submission:

Labcorp Genetics (formerly Invitae), Labcorp
Classification: Uncertain significance for Atelosteogenesis type II; Multiple epiphyseal dysplasia type 4; Achondrogenesis, type IB; Diastrophic dysplasia. Last evaluated: 2021-12-23. Review status: criteria provided, single submitter. Criteria: Invitae Variant Classification Sherloc (09022015). Collection method: clinical testing. Allele origin: germline.
Comment: This sequence change replaces isoleucine, which is neutral and non-polar, with methionine, which is neutral and non-polar, at codon 127 of the SLC26A2 protein (p.Ile127Met). In summary, the available evidence is currently insufficient to determine the role of this variant in disease. Therefore, it has been classified as a Variant of Uncertain Significance. Advanced modeling of protein sequence and biophysical properties (such as structural, functional, and spatial information, amino acid conservation, physicochemical variation, residue mobility, and thermodynamic stability) performed at Invitae indicates that this missense variant is not expected to disrupt SLC26A2 protein function. This variant has not been reported in the literature in individuals affected with SLC26A2-related conditions. This variant is not present in population databases (gnomAD no frequency).